The following is an entry in ClinVar:

ClinVar aggregate classification (germline): Uncertain significance (1 of 4 stars; one submission).

Submission:

Labcorp Genetics (formerly Invitae), Labcorp
Classification: Uncertain significance. Last evaluated: 2023-07-17. Review status: criteria provided, single submitter. Criteria: Invitae Variant Classification Sherloc (09022015). Collection method: clinical testing. Allele origin: germline.
Comment: This variant has not been reported in the literature in individuals affected with MYO18B-related conditions. Algorithms developed to predict the effect of missense changes on protein structure and function output the following: SIFT: "Not Available"; PolyPhen-2: "Benign"; Align-GVGD: "Not Available". The alanine amino acid residue is found in multiple mammalian species, which suggests that this missense change does not adversely affect protein function. In summary, the available evidence is currently insufficient to determine the role of this variant in disease. Therefore, it has been classified as a Variant of Uncertain Significance. This sequence change replaces glycine, which is neutral and non-polar, with alanine, which is neutral and non-polar, at codon 396 of the MYO18B protein (p.Gly396Ala). This variant is not present in population databases (gnomAD no frequency).

NM_032608.7(MYO18B):c.1187G>C (p.Gly396Ala)

Gene: MYO18B (myosin XVIIIB; plus strand). Cytogenetic location: 22q12.1.
Variant type: single nucleotide variant.
Coding change: c.1187G>C on transcript NM_032608.7 (MANE Select); coding-DNA position 1187, G replaced by C.
Protein change: p.Gly396Ala; replaces glycine 396 with alanine.
Molecular consequence: missense variant.
Genome position (GRCh38, 1-based): chr22:25,769,103, G>C. VCF-style: chr22-25769103-G-C. GRCh37 (hg19) VCF-style: chr22-26165070-G-C.
Other names: c.1187G>C, p.Gly396Ala (NM_001318245.2); short protein forms G396A.
Identifiers: ClinVar variation 3001148 (VCV003001148.3), dbSNP rs2517660977, ClinGen allele CA411004331.